The following is an entry in ClinVar:

NM_000051.4(ATM):c.6272G>A (p.Trp2091Ter)

Genes: ATM (ATM serine/threonine kinase; plus strand), C11orf65 (chromosome 11 open reading frame 65; minus strand). Cytogenetic location: 11q22.3.
Variant type: single nucleotide variant.
Coding change: c.6272G>A on transcript NM_000051.4 (MANE Select); coding-DNA position 6272, G replaced by A.
Protein change: p.Trp2091Ter; replaces tryptophan 2091 with a stop codon.
Molecular consequence: nonsense. On other transcripts: intron variant (2).
Genome position (GRCh38, 1-based): chr11:108,317,446, G>A. VCF-style: chr11-108317446-G-A. GRCh37 (hg19) VCF-style: chr11-108188173-G-A.
Other names: c.6272G>A, p.Trp2091Ter (NM_001351834.2); c.641-8375C>T (NM_001330368.2); c.*39-8375C>T (NM_001351110.2); short protein forms W2091*.
Identifiers: ClinVar variation 407735 (VCV000407735.10), dbSNP rs1060501712, ClinGen allele CA16613098.

ClinVar aggregate classification (germline): Pathogenic/Likely pathogenic. Review status: criteria provided, multiple submitters, no conflicts (2 of 4 stars). 5 submissions from 5 submitters: Pathogenic (4); Likely pathogenic (1). Last evaluated 2025-01-28.

Conditions:
Hereditary cancer-predisposing syndrome. Also called: Neoplastic Syndromes, Hereditary; Hereditary Cancer Syndrome; Tumor predisposition; Hereditary neoplastic syndrome. Identifiers: Orphanet 140162, MedGen C0027672, MeSH D009386, MONDO:0015356.
Ataxia-telangiectasia syndrome (AT). Also called: LOUIS-BAR SYNDROME; Cerebello-oculocutaneous telangiectasia; Immunodeficiency with ataxia telangiectasia; Ataxia-telangiectasia, complementation group D; AT, COMPLEMENTATION GROUP C; Ataxia-telangiectasia, complementation group E. Identifiers: Orphanet 100, MedGen C0004135, MONDO:0008840, OMIM 208900.
Familial cancer of breast. Also called: Hereditary breast cancer; BREAST CANCER, FAMILIAL; hereditary breast carcinoma. Identifiers: Orphanet 227535, MedGen C0346153, MONDO:0016419, OMIM 114480. Disease mechanism: loss of function.

Submissions (5):

Molecular Diagnostics Laboratory, Catalan Institute of Oncology
Classification: Pathogenic for Hereditary cancer-predisposing syndrome. Last evaluated: 2025-01-28. Review status: criteria provided, single submitter. Criteria: ClinGen ACMG Specifications ATM V1.1.0. Collection method: clinical testing. Allele origin: germline.
Comment: PVS1, PM2_supporting, PM5_supporting c.6272G>A, located in exon 43 of the ATM gene, is a nonsense variant expected to result in loss of function by premature protein truncation and nonsense-mediated mRNA decay (PVS1). It is not present in the population database gnomAD v2.1.1, non-cancer dataset (PM2_supporting). To our knowledge, neither relevant clinical data nor well-established functional studies have been reported for this variant. This variant has been reported in the ClinVar database (3x pathogenic) and has not been reported in LOVD. The premature termination codon is upstream of p.Arg3047* which is the most C-terminal pathogenic variant (PM5_Supporting). Based on currently available information, the variant cc.6272G>A should be considered a pathogenic variant according to ACMG Classification Rules Specified for ATM v1.1.

Natera, Inc.
Classification: Likely pathogenic for Ataxia-telangiectasia. Last evaluated: 2024-11-15. Review status: criteria provided, single submitter. Criteria: Natera Variant Classification Schema (03/2026). Collection method: clinical testing. Allele origin: germline.
Comment: The c.6272G>A variant in ATM is a nonsense variant predicted to introduce a stop codon at amino acid 2091. This variant is expected to result in nonsense mediated decay, truncation, or a dysfunctional protein product. This variant is rare in the general population with a frequency below the threshold expected for the associated phenotype(s). Given the available evidence, this variant is classified as Likely Pathogenic.

Myriad Genetics, Inc.
Classification: Pathogenic for Familial cancer of breast. Last evaluated: 2024-06-26. Review status: criteria provided, single submitter. Criteria: Myriad Autosomal Dominant, Autosomal Recessive and X-Linked Classification Criteria (2023). Collection method: clinical testing. Allele origin: unknown.
Comment: This variant is considered pathogenic. This variant creates a termination codon and is predicted to result in premature protein truncation.

Ambry Genetics
Classification: Pathogenic for Hereditary cancer-predisposing syndrome. Last evaluated: 2024-03-25. Review status: criteria provided, single submitter. Criteria: Ambry Variant Classification Scheme 2023. Collection method: clinical testing. Allele origin: germline.
Comment: The p.W2091* pathogenic mutation (also known as c.6272G>A), located in coding exon 42 of the ATM gene, results from a G to A substitution at nucleotide position 6272. This changes the amino acid from a tryptophan to a stop codon within coding exon 42. This variant is considered to be rare based on population cohorts in the Genome Aggregation Database (gnomAD). This alteration is expected to result in loss of function by premature protein truncation or nonsense-mediated mRNA decay. As such, this alteration is interpreted as a disease-causing mutation.

Labcorp Genetics (formerly Invitae), Labcorp
Classification: Pathogenic for Ataxia-telangiectasia syndrome. Last evaluated: 2023-03-08. Review status: criteria provided, single submitter. Criteria: Invitae Variant Classification Sherloc (09022015). Collection method: clinical testing. Allele origin: germline.
Comment: This sequence change creates a premature translational stop signal (p.Trp2091*) in the ATM gene. It is expected to result in an absent or disrupted protein product. Loss-of-function variants in ATM are known to be pathogenic (PMID: 23807571, 25614872). This variant is not present in population databases (gnomAD no frequency). This variant has not been reported in the literature in individuals affected with ATM-related conditions. ClinVar contains an entry for this variant (Variation ID: 407735). For these reasons, this variant has been classified as Pathogenic.

Literature cited by the submitters: PubMed 23807571 (cited by Labcorp Genetics (formerly Invitae), Labcorp); PubMed 25614872 (cited by Labcorp Genetics (formerly Invitae), Labcorp).